The following is an entry in ClinVar:

ClinVar aggregate classification (germline): Conflicting classifications of pathogenicity. Review status: criteria provided, conflicting classifications (1 of 4 stars). 2 submissions from 2 submitters: Uncertain significance (1); Likely benign (1). Last evaluated 2025-11-10.

Allele frequency attached by ClinVar (database versions not stated): gnomAD 0.00001; gnomAD exomes 0.00002; TOPMed 0.00002.
gnomAD v4.1: 34 of 1,611,964 alleles (0.0021%); highest among the groups gnomAD compares: Non-Finnish European, 0.0025%; no homozygotes.

Submissions (2):

Labcorp Genetics (formerly Invitae), Labcorp
Classification: Uncertain significance. Last evaluated: 2025-11-10. Review status: criteria provided, single submitter. Criteria: Invitae Variant Classification Sherloc (09022015). Collection method: clinical testing. Allele origin: germline.
Comment: This sequence change falls in intron 8 of the SIN3A gene. It does not directly change the encoded amino acid sequence of the SIN3A protein. It affects a nucleotide within the consensus splice site. This variant is present in population databases (no rsID available, gnomAD 0.01%). This variant has not been reported in the literature in individuals affected with SIN3A-related conditions. ClinVar contains an entry for this variant (Variation ID: 2912398). Variants that disrupt the consensus splice site are a relatively common cause of aberrant splicing (PMID: 17576681, 9536098). Algorithms developed to predict the effect of sequence changes on RNA splicing suggest that this variant is not likely to affect RNA splicing. In summary, the available evidence is currently insufficient to determine the role of this variant in disease. Therefore, it has been classified as a Variant of Uncertain Significance.

Blueprint Genetics
Classification: Likely benign. Last evaluated: 2024-05-31. Review status: criteria provided, single submitter. Criteria: ACMG Guidelines, 2015. Collection method: clinical testing. Allele origin: germline.

Literature cited by the submitters: PubMed 17576681 (cited by Labcorp Genetics (formerly Invitae), Labcorp); PubMed 9536098 (cited by Labcorp Genetics (formerly Invitae), Labcorp).

NM_001145358.2(SIN3A):c.1317+3G>A

Gene: SIN3A (SIN3 transcription regulator family member A; minus strand). Cytogenetic location: 15q24.2.
Variant type: single nucleotide variant.
Coding change: c.1317+3G>A on transcript NM_001145358.2 (MANE Select); 3 bases into the intron after coding-DNA position 1317, G replaced by A.
Molecular consequence: intron variant.
Genome position (GRCh38, 1-based): chr15:75,409,833, C>T on the plus strand (G>A on the coding strand, the complement: SIN3A is on the minus strand). VCF-style: chr15-75409833-C-T. GRCh37 (hg19) VCF-style: chr15-75702174-C-T.
Other names: c.1317+3G>A (NM_001145357.2, NM_015477.3).
Identifiers: ClinVar variation 2912398 (VCV002912398.4), dbSNP rs1475091627, ClinGen allele CA619414756.